The following is an entry in ClinVar:

ClinVar aggregate classification (germline): Benign/Likely benign. Review status: criteria provided, multiple submitters, no conflicts (2 of 4 stars). 3 submissions from 3 submitters: Benign (1); Likely benign (2). Last evaluated 2025-03-23.

Conditions:
TMPRSS6-related disorder. Also called: TMPRSS6-related condition.

Allele frequency attached by ClinVar (database versions not stated): gnomAD exomes 0.00009; ExAC 0.00028; ESP Exome Variant Server 0.00062; gnomAD 0.00079; TOPMed 0.00084; 1000 Genomes Project 30x 0.00156; 1000 Genomes Project 0.00200.
gnomAD v4.1: 263 of 1,614,134 alleles (0.016%); highest among the groups gnomAD compares: African/African-American, 0.25%; 2 homozygotes.

Submissions (3):

Labcorp Genetics (formerly Invitae), Labcorp
Classification: Benign. Last evaluated: 2025-03-23. Review status: criteria provided, single submitter. Criteria: Invitae Variant Classification Sherloc (09022015). Collection method: clinical testing. Allele origin: germline.

PreventionGenetics, part of Exact Sciences
Classification: Likely benign for TMPRSS6-related condition. Last evaluated: 2024-12-26. Review status: criteria provided, single submitter. Criteria: ACMG Guidelines, 2015. Collection method: clinical testing. Allele origin: germline.
Comment: This variant is classified as likely benign based on ACMG/AMP sequence variant interpretation guidelines (Richards et al. 2015 PMID: 25741868, with internal and published modifications).

CeGaT Center for Human Genetics Tuebingen
Classification: Likely benign. Last evaluated: 2023-02-01. Review status: criteria provided, single submitter. Criteria: CeGaT Center For Human Genetics Tuebingen Variant Classification Criteria Version 2. Collection method: clinical testing. Allele origin: germline. Affected: yes. Observed: 1 variant allele.
Comment: TMPRSS6: BP4, BP7

NM_001374504.1(TMPRSS6):c.960G>A (p.Pro320=)

Gene: TMPRSS6 (transmembrane serine protease 6; minus strand). Cytogenetic location: 22q12.3.
Variant type: single nucleotide variant.
Coding change: c.960G>A on transcript NM_001374504.1 (MANE Select); coding-DNA position 960, G replaced by A.
Protein change: p.Pro320=; no amino-acid change (proline 320 retained).
Molecular consequence: synonymous variant.
Genome position (GRCh38, 1-based): chr22:37,086,296, C>T on the plus strand (G>A on the coding strand, the complement: TMPRSS6 is on the minus strand). VCF-style: chr22-37086296-C-T. GRCh37 (hg19) VCF-style: chr22-37482336-C-T.
Other names: c.960G>A, p.Pro320= (NM_001289000.2, NM_001289001.2, NM_153609.4); c.987G>A (NM_153609.3).
Identifiers: ClinVar variation 2056716 (VCV002056716.29), dbSNP rs2543517, ClinGen allele CA10215839.